The following is an entry in ClinVar:

NM_001876.4(CPT1A):c.717C>G (p.Tyr239Ter)

Gene: CPT1A (carnitine palmitoyltransferase 1A; minus strand). Cytogenetic location: 11q13.3.
Variant type: single nucleotide variant.
Coding change: c.717C>G on transcript NM_001876.4 (MANE Select); coding-DNA position 717, C replaced by G.
Protein change: p.Tyr239Ter; replaces tyrosine 239 with a stop codon.
Molecular consequence: nonsense.
Genome position (GRCh38, 1-based): chr11:68,796,910, G>C on the plus strand (C>G on the coding strand, the complement: CPT1A is on the minus strand). VCF-style: chr11-68796910-G-C. GRCh37 (hg19) VCF-style: chr11-68564378-G-C.
Other names: c.717C>G, p.Tyr239Ter (NM_001031847.3); short protein forms Y239*.
Identifiers: ClinVar variation 2856056 (VCV002856056.3), dbSNP rs142954613, ClinGen allele CA381634898.

ClinVar aggregate classification (germline): Pathogenic (1 of 4 stars; one submission).

Conditions:
Carnitine palmitoyl transferase 1A deficiency. Also called: Carnitine palmitoyltransferase 1A deficiency; CPT I DEFICIENCY; CPT DEFICIENCY, HEPATIC, TYPE I; Carnitine palmitoyltransferase type I deficiency; CPT deficiency, hepatic, type IA. Identifiers: Orphanet 156, MedGen C1829703, MONDO:0009705, OMIM 255120.

Submission:

Labcorp Genetics (formerly Invitae), Labcorp
Classification: Pathogenic for Carnitine palmitoyl transferase 1A deficiency. Last evaluated: 2023-04-25. Review status: criteria provided, single submitter. Criteria: Invitae Variant Classification Sherloc (09022015). Collection method: clinical testing. Allele origin: germline.
Comment: This variant is not present in population databases (gnomAD no frequency). This variant has not been reported in the literature in individuals affected with CPT1A-related conditions. For these reasons, this variant has been classified as Pathogenic. This sequence change creates a premature translational stop signal (p.Tyr239*) in the CPT1A gene. It is expected to result in an absent or disrupted protein product. Loss-of-function variants in CPT1A are known to be pathogenic (PMID: 16169268).

Literature cited by the submitters: PubMed 16169268.